The following is an entry in ClinVar:

NM_001127511.3(APC):c.166-28902C>T

Gene: APC (APC regulator of Wnt signaling pathway; plus strand). Cytogenetic location: 5q22.2.
Variant type: single nucleotide variant.
Coding change: c.166-28902C>T on transcript NM_001127511.3; 28902 bases into the intron before coding-DNA position 166, C replaced by T.
Molecular consequence: intron variant.
Genome position (GRCh38, 1-based): chr5:112,737,424, C>T. VCF-style: chr5-112737424-C-T. GRCh37 (hg19) VCF-style: chr5-112073121-C-T.
Other names: c.-1053-17449C>T (NM_001407470.1, NM_001407472.1); c.-18-17449C>T (NM_001407447.1, NM_001354895.2, NM_001407456.1 and 7 more transcripts); c.166-28902C>T (NM_001407446.1, NM_001354897.2, NM_001354902.2); c.-42-28902C>T (NM_001407453.1).
Identifiers: ClinVar variation 3357469 (VCV003357469.1).

ClinVar aggregate classification (germline): Likely benign (0 of 4 stars; one submission).

Conditions:
APC-related disorder. Also called: APC-related condition.

Submission:

PreventionGenetics, part of Exact Sciences
Classification: Likely benign for APC-related condition. Last evaluated: 2024-03-19. Review status: no assertion criteria provided. Collection method: clinical testing. Allele origin: germline.
Comment: This variant is classified as likely benign based on ACMG/AMP sequence variant interpretation guidelines (Richards et al. 2015 PMID: 25741868, with internal and published modifications).